The following is an entry in ClinVar:

ClinVar aggregate classification (germline): Uncertain significance (1 of 4 stars; one submission).

Conditions:
Spermatogenic failure 18. Identifiers: MedGen C4539783, MONDO:0054615, OMIM 617576.
Ciliary dyskinesia, primary, 37 (CILD37). Also called: CILIARY DYSKINESIA, PRIMARY, 37, WITH OR WITHOUT SITUS INVERSUS. Identifiers: MedGen C4539798, MONDO:0033204, OMIM 617577.

Allele frequency attached by ClinVar (database versions not stated): gnomAD exomes below 0.00001; TOPMed below 0.00001; gnomAD 0.00001.
gnomAD v4.1: 3 of 1,613,918 alleles (0.00019%); highest among the groups gnomAD compares: Non-Finnish European, 0.00025%; no homozygotes.

Submission:

Labcorp Genetics (formerly Invitae), Labcorp
Classification: Uncertain significance for Ciliary dyskinesia, primary, 37; Spermatogenic failure 18. Last evaluated: 2022-07-15. Review status: criteria provided, single submitter. Criteria: Invitae Variant Classification Sherloc (09022015). Collection method: clinical testing. Allele origin: germline.
Comment: In summary, the available evidence is currently insufficient to determine the role of this variant in disease. Therefore, it has been classified as a Variant of Uncertain Significance. Algorithms developed to predict the effect of missense changes on protein structure and function (SIFT, PolyPhen-2, Align-GVGD) all suggest that this variant is likely to be tolerated. This variant has not been reported in the literature in individuals affected with DNAH1-related conditions. This variant is not present in population databases (gnomAD no frequency). This sequence change replaces glutamic acid, which is acidic and polar, with aspartic acid, which is acidic and polar, at codon 1038 of the DNAH1 protein (p.Glu1038Asp).

NM_015512.5(DNAH1):c.3114G>T (p.Glu1038Asp)

Gene: DNAH1 (dynein axonemal heavy chain 1; plus strand). Cytogenetic location: 3p21.1.
Variant type: single nucleotide variant.
Coding change: c.3114G>T on transcript NM_015512.5 (MANE Select); coding-DNA position 3114, G replaced by T.
Protein change: p.Glu1038Asp; replaces glutamic acid 1038 with aspartic acid.
Molecular consequence: missense variant.
Genome position (GRCh38, 1-based): chr3:52,353,189, G>T. VCF-style: chr3-52353189-G-T. GRCh37 (hg19) VCF-style: chr3-52387205-G-T.
Other names: short protein forms E1038D.
Identifiers: ClinVar variation 2008762 (VCV002008762.4), dbSNP rs1243838956, ClinGen allele CA353111359.
Genomic context (GRCh38, chr3:52,353,189, plus strand): 5'-GGAGTTCCAACCCTACCTGGACCTTTGGACCACAGCGTCTGACTGGCTGCGCTGGTCGGA[G>T]AGCTGGATGAATGACCCCCTCTCTGCCATCGATGCTGAGCAGCTGGAGAAGAACGTGGTT-3'
Protein context (NP_056327.4, residues 1028-1048): TTASDWLRWS[Glu1038Asp]SWMNDPLSAI